The following is an entry in ClinVar:

ClinVar aggregate classification (germline): Uncertain significance (1 of 4 stars; one submission).

Submission:

Labcorp Genetics (formerly Invitae), Labcorp
Classification: Uncertain significance. Last evaluated: 2023-10-03. Review status: criteria provided, single submitter. Criteria: Invitae Variant Classification Sherloc (09022015). Collection method: clinical testing. Allele origin: germline.
Comment: This sequence change creates a premature translational stop signal (p.Ala9Glyfs*22) in the NDUFA10 gene. It is expected to result in an absent or disrupted protein product. However, the current clinical and genetic evidence is not sufficient to establish whether loss-of-function variants in NDUFA10 cause disease. This variant is not present in population databases (gnomAD no frequency). This variant has not been reported in the literature in individuals affected with NDUFA10-related conditions. ClinVar contains an entry for this variant (Variation ID: 2110569). In summary, the available evidence is currently insufficient to determine the role of this variant in disease. Therefore, it has been classified as a Variant of Uncertain Significance.

NM_004544.4(NDUFA10):c.23dup (p.Ala9fs)

Gene: NDUFA10 (NADH:ubiquinone oxidoreductase subunit A10; minus strand). Cytogenetic location: 2q37.3.
Variant type: Duplication.
Coding change: c.23dup on transcript NM_004544.4 (MANE Select); coding-DNA position 23, one base duplicated (T; older notation c.23dupT).
Protein change: p.Ala9fs; shifts the reading frame from alanine 9.
Molecular consequence: frameshift variant. On other transcripts: non-coding transcript variant (4).
Genome position (GRCh38, 1-based): chr2:240,025,279, A duplicated on the plus strand (T on the coding strand, the reverse complement: NDUFA10 is on the minus strand). VCF-style (leftmost placement, unchanged base first): chr2-240025278-C-CA. GRCh37 (hg19) VCF-style: chr2-240964695-C-CA.
Other names: c.23dup, p.Ala9fs (NM_001322019.2, NM_001322020.2); c.23dup, p.Ala9Glyfs (NM_001410987.1); short protein forms A9fs.
Identifiers: ClinVar variation 2110569 (VCV002110569.4), dbSNP rs2469863745, ClinGen allele CA2580067977.